The following is an entry in ClinVar:

ClinVar aggregate classification (germline): Uncertain significance (1 of 4 stars; one submission).

Submission:

Labcorp Genetics (formerly Invitae), Labcorp
Classification: Uncertain significance. Last evaluated: 2024-03-20. Review status: criteria provided, single submitter. Criteria: Invitae Variant Classification Sherloc (09022015). Collection method: clinical testing. Allele origin: germline.
Comment: This sequence change replaces leucine, which is neutral and non-polar, with phenylalanine, which is neutral and non-polar, at codon 38 of the ZC4H2 protein (p.Leu38Phe). This variant is present in population databases (no rsID available, gnomAD 0.02%). This variant has not been reported in the literature in individuals affected with ZC4H2-related conditions. An algorithm developed to predict the effect of missense changes on protein structure and function (PolyPhen-2) suggests that this variant is likely to be disruptive. In summary, the available evidence is currently insufficient to determine the role of this variant in disease. Therefore, it has been classified as a Variant of Uncertain Significance.

NM_018684.4(ZC4H2):c.112C>T (p.Leu38Phe)

Gene: ZC4H2 (zinc finger C4H2-type containing; minus strand). Cytogenetic location: Xq11.2.
Variant type: single nucleotide variant.
Coding change: c.112C>T on transcript NM_018684.4 (MANE Select); coding-DNA position 112, C replaced by T.
Protein change: p.Leu38Phe; replaces leucine 38 with phenylalanine.
Molecular consequence: missense variant. On other transcripts: non-coding transcript variant (1).
Genome position (GRCh38, 1-based): chrX:64,921,930, G>A on the plus strand (C>T on the coding strand, the complement: ZC4H2 is on the minus strand). VCF-style: chrX-64921930-G-A. GRCh37 (hg19) VCF-style: chrX-64141810-G-A.
Other names: c.43C>T, p.Leu15Phe (NM_001178032.3, NM_001243804.2); c.112C>T, p.Leu38Phe (NM_001178033.3); short protein forms L15F, L38F.
Identifiers: ClinVar variation 3625800 (VCV003625800.2).